The following is an entry in ClinVar:

NM_020911.2(PLXNA4):c.3373G>A (p.Val1125Ile)

Gene: PLXNA4 (plexin A4; minus strand). Cytogenetic location: 7q32.3.
Variant type: single nucleotide variant.
Coding change: c.3373G>A on transcript NM_020911.2 (MANE Select); coding-DNA position 3373, G replaced by A.
Protein change: p.Val1125Ile; replaces valine 1125 with isoleucine.
Molecular consequence: missense variant.
Genome position (GRCh38, 1-based): chr7:132,181,500, C>T on the plus strand (G>A on the coding strand, the complement: PLXNA4 is on the minus strand). VCF-style: chr7-132181500-C-T. GRCh37 (hg19) VCF-style: chr7-131866259-C-T.
Other names: c.3373G>A, p.Val1125Ile (NM_001393897.1); short protein forms V1125I.
Identifiers: ClinVar variation 2629428 (VCV002629428.3), dbSNP rs544769667, ClinGen allele CA4489510.

ClinVar aggregate classification (germline): Uncertain significance (0 of 4 stars; one submission).

Conditions:
PLXNA4-related disorder. Also called: PLXNA4-related condition.

Allele frequency attached by ClinVar (database versions not stated): gnomAD exomes 0.00001; ExAC 0.00003; 1000 Genomes Project 30x 0.00016; 1000 Genomes Project 0.00020.
gnomAD v4.1: 23 of 1,614,102 alleles (0.0014%); highest among the groups gnomAD compares: Admixed American, 0.015%; no homozygotes.

Submission:

PreventionGenetics, part of Exact Sciences
Classification: Uncertain significance for PLXNA4-related condition. Last evaluated: 2024-02-07. Review status: no assertion criteria provided. Collection method: clinical testing. Allele origin: germline.
Comment: The PLXNA4 c.3373G>A variant is predicted to result in the amino acid substitution p.Val1125Ile. To our knowledge, this variant has not been reported in the literature. This variant is reported in 0.020% of alleles in individuals of Latino descent in gnomAD. At this time, the clinical significance of this variant is uncertain due to the absence of conclusive functional and genetic evidence.